The following is an entry in ClinVar:

NC_000002.11:g.(?_45169244)_(45236249_?)dup

Genes: SIX2 (SIX homeobox 2; minus strand), SIX3 (SIX homeobox 3; plus strand). Cytogenetic location: 2p21.
Variant type: Duplication.
Identifiers: ClinVar variation 2425348 (VCV002425348.3).

ClinVar aggregate classification (germline): Uncertain significance. Review status: criteria provided, single submitter (1 of 4 stars). 2 submissions from 1 submitter: Uncertain significance (1). 1 of the submissions does not count toward it. Last evaluated 2022-08-10.

Conditions:
Holoprosencephaly 2 (HPE2). Identifiers: Orphanet 2162, MedGen C1834877, MONDO:0007999, OMIM 157170.

Submissions (2):

Labcorp Genetics (formerly Invitae), Labcorp
Classification: Uncertain significance. Last evaluated: 2022-08-10. Review status: criteria provided, single submitter. Criteria: Invitae Variant Classification Sherloc (09022015). Collection method: clinical testing. Allele origin: germline.
Comment: A copy number gain of the genomic region encompassing the full coding sequence of the SIX2 gene has been identified. The boundaries of this event are unknown as they extend beyond the assayed region for this gene and therefore may encompass additional genes. As the precise location of this event is unknown, it may be in tandem or it may be located elsewhere in the genome. This variant has not been reported in the literature in individuals affected with SIX2-related conditions. In summary, the available evidence is currently insufficient to determine the role of this variant in disease. Therefore, it has been classified as a Variant of Uncertain Significance.

Labcorp Genetics (formerly Invitae), Labcorp
Classification: Uncertain significance for Holoprosencephaly 2. Last evaluated: 2022-08-10. Review status: flagged submission. Criteria: Invitae Variant Classification Sherloc (09022015). Collection method: clinical testing. Allele origin: germline. Not counted in ClinVar's aggregate classification.
Comment: A copy number gain of the genomic region encompassing the full coding sequence of the SIX3 gene has been identified. The boundaries of this event are unknown as they extend beyond the assayed region for this gene and therefore may encompass additional genes. As the precise location of this event is unknown, it may be in tandem or it may be located elsewhere in the genome. A similar copy number variant has been observed in individual(s) with combined pituitary hormone deficiency (PMID: 32796691). In summary, the available evidence is currently insufficient to determine the role of this variant in disease. Therefore, it has been classified as a Variant of Uncertain Significance.
ClinVar note: Reason: This record appears to be redundant with a more recent record from the same submitter.
ClinVar note: Notes: SCV003794806 appears to be redundant with SCV003795012.

Literature cited by the submitters: PubMed 32796691.